The following is an entry in ClinVar:

ClinVar aggregate classification (germline): Likely benign. Review status: criteria provided, multiple submitters, no conflicts (2 of 4 stars). 2 submissions from 2 submitters: Likely benign (2). Last evaluated 2025-12-24.

Conditions:
LTBP4-related disorder. Also called: LTBP4-related condition.

Allele frequency attached by ClinVar (database versions not stated): TOPMed below 0.00001; ExAC 0.00001; gnomAD 0.00001; ESP Exome Variant Server 0.00008.
gnomAD v4.1: 26 of 1,613,472 alleles (0.0016%); highest among the groups gnomAD compares: Non-Finnish European, 0.0021%; no homozygotes.

Submissions (2):

Labcorp Genetics (formerly Invitae), Labcorp
Classification: Likely benign. Last evaluated: 2025-12-24. Review status: criteria provided, single submitter. Criteria: Invitae Variant Classification Sherloc (09022015). Collection method: clinical testing. Allele origin: germline.

PreventionGenetics, part of Exact Sciences
Classification: Likely benign for LTBP4-related condition. Last evaluated: 2025-01-30. Review status: criteria provided, single submitter. Criteria: ACMG Guidelines, 2015. Collection method: clinical testing. Allele origin: germline.
Comment: This variant is classified as likely benign based on ACMG/AMP sequence variant interpretation guidelines (Richards et al. 2015 PMID: 25741868, with internal and published modifications).

NM_001042545.2(LTBP4):c.1842G>C (p.Leu614=)

Gene: LTBP4 (latent transforming growth factor beta binding protein 4; plus strand). Cytogenetic location: 19q13.2.
Variant type: single nucleotide variant.
Coding change: c.1842G>C on transcript NM_001042545.2 (MANE Select); coding-DNA position 1842, G replaced by C.
Protein change: p.Leu614=; no amino-acid change (leucine 614 retained).
Molecular consequence: synonymous variant.
Genome position (GRCh38, 1-based): chr19:40,611,183, G>C. VCF-style: chr19-40611183-G-C. GRCh37 (hg19) VCF-style: chr19-41117089-G-C.
Other names: c.2043G>C, p.Leu681= (NM_001042544.1); c.1932G>C, p.Leu644= (NM_003573.2).
Identifiers: ClinVar variation 2909715 (VCV002909715.4), dbSNP rs370396885, ClinGen allele CA9448455.